The following is an entry in ClinVar:

ClinVar aggregate classification (germline): Likely benign. Review status: criteria provided, multiple submitters, no conflicts (2 of 4 stars). 2 submissions from 2 submitters: Likely benign (2). Last evaluated 2025-01-01.

Conditions:
Inborn genetic diseases. Identifiers: MedGen C0950123, MeSH D030342.

Allele frequency attached by ClinVar (database versions not stated): ExAC 0.00002; gnomAD 0.00003 and 0.00005; TOPMed 0.00005; ESP Exome Variant Server 0.00008.
gnomAD v4.1: 14 of 1,613,866 alleles (0.00087%); highest among the groups gnomAD compares: African/African-American, 0.011%; no homozygotes.

Submissions (2):

CeGaT Center for Human Genetics Tuebingen
Classification: Likely benign. Last evaluated: 2025-01-01. Review status: criteria provided, single submitter. Criteria: CeGaT Center For Human Genetics Tuebingen Variant Classification Criteria Version 2. Collection method: clinical testing. Allele origin: germline. Affected: yes. Observed: 2 variant alleles.
Comment: ANKRD11: BP4

Ambry Genetics
Classification: Likely benign for Inborn genetic diseases. Last evaluated: 2021-06-17. Review status: criteria provided, single submitter. Criteria: Ambry Variant Classification Scheme 2023. Collection method: clinical testing. Allele origin: germline.

NM_013275.6(ANKRD11):c.3424G>A (p.Asp1142Asn)

Gene: ANKRD11 (ankyrin repeat domain 11; minus strand). Cytogenetic location: 16q24.3.
Variant type: single nucleotide variant.
Coding change: c.3424G>A on transcript NM_013275.6 (MANE Select); coding-DNA position 3424, G replaced by A.
Protein change: p.Asp1142Asn; replaces aspartic acid 1142 with asparagine.
Molecular consequence: missense variant.
Genome position (GRCh38, 1-based): chr16:89,283,118, C>T on the plus strand (G>A on the coding strand, the complement: ANKRD11 is on the minus strand). VCF-style: chr16-89283118-C-T. GRCh37 (hg19) VCF-style: chr16-89349526-C-T.
Other names: c.3424G>A, p.Asp1142Asn (NM_001256182.2, NM_001256183.2); c.3424G>A (NM_013275.4); short protein forms D1142N.
Identifiers: ClinVar variation 1012412 (VCV001012412.40), dbSNP rs373193679, ClinGen allele CA8242368.